The following is an entry in ClinVar:

ClinVar aggregate classification (germline): Pathogenic/Likely pathogenic. Review status: criteria provided, multiple submitters, no conflicts (2 of 4 stars). 3 submissions from 3 submitters: Pathogenic (1); Likely pathogenic (2). Last evaluated 2025-09-21.

Conditions:
Ornithine aminotransferase deficiency (GACR). Also called: OKT DEFICIENCY; Ornithine ketoacid aminotransferase deficiency; Gyrate atrophy; Gyrate atrophy of choroid and retina; Girate atrophy of the retina; OAT DEFICIENCY. Identifiers: Orphanet 414, MedGen C0018425, MONDO:0009796, OMIM 258870.

Submissions (3):

Natera, Inc.
Classification: Likely pathogenic for Gyrate atrophy. Last evaluated: 2025-09-21. Review status: criteria provided, single submitter. Criteria: Natera Variant Classification Schema (03/2026). Collection method: clinical testing. Allele origin: germline.
Comment: The c.776delT variant in OAT is a frameshift variant predicted to shift the reading frame beginning at codon 259 and leads to a stop codon 29 codons downstream. This variant is expected to result in nonsense mediated decay, truncation, or a dysfunctional protein product. This variant is rare in the general population with a frequency below the threshold expected for the associated phenotype(s). Given the available evidence, this variant is classified as Likely Pathogenic.

Baylor Genetics
Classification: Likely pathogenic for Ornithine aminotransferase deficiency. Last evaluated: 2023-12-25. Review status: criteria provided, single submitter. Criteria: ACMG Guidelines, 2015. Collection method: clinical testing. Allele origin: unknown.

Labcorp Genetics (formerly Invitae), Labcorp
Classification: Pathogenic for Ornithine aminotransferase deficiency. Last evaluated: 2021-07-18. Review status: criteria provided, single submitter. Criteria: Invitae Variant Classification Sherloc (09022015). Collection method: clinical testing. Allele origin: germline.
Comment: This sequence change creates a premature translational stop signal (p.Leu259Profs*29) in the OAT gene. It is expected to result in an absent or disrupted protein product. Loss-of-function variants in OAT are known to be pathogenic (PMID: 1737786, 23076989). This variant is not present in population databases (ExAC no frequency). This variant has not been reported in the literature in individuals with OAT-related conditions. For these reasons, this variant has been classified as Pathogenic.

Literature cited by the submitters: PubMed 1737786 (cited by Labcorp Genetics (formerly Invitae), Labcorp); PubMed 23076989 (cited by Labcorp Genetics (formerly Invitae), Labcorp).

NM_000274.4(OAT):c.776del (p.Leu259fs)

Gene: OAT (ornithine aminotransferase; minus strand). Cytogenetic location: 10q26.13.
Variant type: Deletion.
Coding change: c.776del on transcript NM_000274.4 (MANE Select); coding-DNA position 776, one base deleted (T; older notation c.776delT).
Protein change: p.Leu259fs; shifts the reading frame from leucine 259.
Molecular consequence: frameshift variant.
Genome position (GRCh38, 1-based): chr10:124,403,051, A deleted on the plus strand (T on the coding strand, the reverse complement: OAT is on the minus strand). VCF-style (leftmost placement, unchanged base first): chr10-124403050-GA-G. GRCh37 (hg19) VCF-style: chr10-126091619-GA-G.
Other names: c.362del, p.Leu121fs (NM_001171814.2); c.776del, p.Leu259fs (NM_001322965.2, NM_001322966.2, NM_001322967.2 and 3 more transcripts); c.455del, p.Leu152fs (NM_001322971.2); c.176del, p.Leu59fs (NM_001322974.2); c.776delT (NM_000274.3); short protein forms L152fs, L59fs, L121fs, L259fs.
Identifiers: ClinVar variation 1455908 (VCV001455908.8), dbSNP rs2134456729, ClinGen allele CA2573145616.